The following is an entry in ClinVar:

NM_005896.4(IDH1):c.556G>C (p.Asp186His)

Gene: IDH1 (isocitrate dehydrogenase (NADP(+)) 1; minus strand). Cytogenetic location: 2q34.
Variant type: single nucleotide variant.
Coding change: c.556G>C on transcript NM_005896.4 (MANE Select); coding-DNA position 556, G replaced by C.
Protein change: p.Asp186His; replaces aspartic acid 186 with histidine.
Molecular consequence: missense variant.
Genome position (GRCh38, 1-based): chr2:208,243,569, C>G on the plus strand (G>C on the coding strand, the complement: IDH1 is on the minus strand). VCF-style: chr2-208243569-C-G. GRCh37 (hg19) VCF-style: chr2-209108293-C-G.
Other names: c.556G>C, p.Asp186His (NM_001282386.1, NM_001282387.1); short protein forms D186H.
Identifiers: ClinVar variation 2587376 (VCV002587376.2), dbSNP rs2124854081, ClinGen allele CA350099634.

ClinVar aggregate classification (germline): Uncertain significance (1 of 4 stars; one submission).

Submission:

Ambry Genetics
Classification: Uncertain significance. Last evaluated: 2023-06-21. Review status: criteria provided, single submitter. Criteria: Ambry Variant Classification Scheme 2023. Collection method: clinical testing. Allele origin: germline.
Comment: The p.D186H variant (also known as c.556G>C), located in coding exon 4 of the IDH1 gene, results from a G to C substitution at nucleotide position 556. The aspartic acid at codon 186 is replaced by histidine, an amino acid with similar properties. This amino acid position is conserved. In addition, this alteration is predicted to be deleterious by in silico analysis. Since supporting evidence is limited at this time, the clinical significance of this alteration remains unclear.